The following is an entry in ClinVar:

ClinVar aggregate classification (germline): Uncertain significance (1 of 4 stars; one submission).

Allele frequency attached by ClinVar (database versions not stated): TOPMed 0.00001; gnomAD 0.00002; ExAC 0.00002; gnomAD exomes below 0.00001.

Submission:

GeneDx
Classification: Uncertain significance. Last evaluated: 2020-09-14. Review status: criteria provided, single submitter. Criteria: GeneDx Variant Classification Process June 2021. Collection method: clinical testing. Allele origin: germline. Affected: yes.
Comment: Has not been previously published as pathogenic or benign to our knowledge; In silico analysis supports that this missense variant does not alter protein structure/function

NM_021625.5(TRPV4):c.2406T>G (p.Asn802Lys)

Gene: TRPV4 (transient receptor potential cation channel subfamily V member 4; minus strand). Cytogenetic location: 12q24.11.
Variant type: single nucleotide variant.
Coding change: c.2406T>G on transcript NM_021625.5 (MANE Select); coding-DNA position 2406, T replaced by G.
Protein change: p.Asn802Lys; replaces asparagine 802 with lysine.
Molecular consequence: missense variant.
Genome position (GRCh38, 1-based): chr12:109,784,368, A>C on the plus strand (T>G on the coding strand, the complement: TRPV4 is on the minus strand). VCF-style: chr12-109784368-A-C. GRCh37 (hg19) VCF-style: chr12-110222173-A-C.
Other names: c.2265T>G, p.Asn755Lys (NM_001177428.2); c.2304T>G, p.Asn768Lys (NM_001177431.2); c.2085T>G, p.Asn695Lys (NM_001177433.2); c.2226T>G, p.Asn742Lys (NM_147204.3); short protein forms N695K, N742K, N755K, N768K, N802K.
Identifiers: ClinVar variation 1218851 (VCV001218851.3), dbSNP rs747297905, ClinGen allele CA6779934.
Genomic context (GRCh38, chr12:109,784,368, plus strand): 5'-CCACTCACCCCTGCGGAGGCGGCCCACGGTATGCGAGAAGCCATAATACTGGTAGGTCTC[A>C]TTCTTGCCCGGGTCCTCGTTGATGATGCCCAAGTTCTGGTTCCAGTGAGACCAGTTCACC-3'
Protein context (NP_067638.3, residues 792-812): LGIINEDPGK[Asn802Lys]ETYQYYGFSH